The following is an entry in ClinVar:

NC_000023.11:g.134459473_134465044del

Genes: HPRT1 (hypoxanthine phosphoribosyltransferase 1; plus strand), LOC107032760 (origin of replication in promoter/intron 1 of HPRT1; plus strand), LOC129929046 (ATAC-STARR-seq lymphoblastoid silent region 21008; plus strand), LOC129929047 (ATAC-STARR-seq lymphoblastoid silent region 21009; plus strand). Cytogenetic location: Xq26.2.
Variant type: Deletion.
Genome position: GRCh38: chrX:134,459,473-134,465,044. GRCh37 (hg19): chrX:133,593,503-133,599,074.
Identifiers: ClinVar variation 3770187 (VCV003770187.2).

ClinVar aggregate classification (germline): Pathogenic (1 of 4 stars; one submission).

Conditions:
Lesch-Nyhan syndrome (LNS). Also called: HPRT DEFICIENCY, COMPLETE; Lesch-Nyhan Disease (LND). Identifiers: Orphanet 510, MedGen C0023374, MONDO:0010298, OMIM 300322.

Submission:

Undiagnosed Diseases Network, NIH
Classification: Pathogenic for Lesch-Nyhan syndrome. Last evaluated: 2024-11-06. Review status: criteria provided, single submitter. Criteria: ACMG Guidelines, 2015. Collection method: clinical testing. Allele origin: maternal. Inheritance: X-linked inheritance. Affected: yes. Observed: 1 hemizygote. Study: Undiagnosed Diseases Network (NIH), UDN.
Comment: This deletion involves exon 1 of the HPRT1 gene (NM_000194.3). Deletions involving exon 1 have been described as pathogenic in ClinVar (ID: 10083, 662833). Similar variants have been reported in individuals with HPRT1-related disorders (PMID: 11018746, 23975452). This deletion has not been observed in gnomAD. This copy number loss may result in loss of translation initiation and cause nonsense-mediated decay (NMD) in a gene where loss-of-function is a known mechanism of disease.

Literature cited by the submitters: PubMed 11018746; PubMed 23975452.